The following is an entry in ClinVar:

NM_020831.6(MRTFA):c.1880T>C (p.Leu627Pro)

Gene: MRTFA (myocardin related transcription factor A; minus strand). Cytogenetic location: 22q13.1.
Variant type: single nucleotide variant.
Coding change: c.1880T>C on transcript NM_020831.6 (MANE Select); coding-DNA position 1880, T replaced by C.
Protein change: p.Leu627Pro; replaces leucine 627 with proline.
Molecular consequence: missense variant.
Genome position (GRCh38, 1-based): chr22:40,418,858, A>G on the plus strand (T>C on the coding strand, the complement: MRTFA is on the minus strand). VCF-style: chr22-40418858-A-G. GRCh37 (hg19) VCF-style: chr22-40814862-A-G.
Other names: c.1580T>C, p.Leu527Pro (NM_001282660.2); c.1730T>C, p.Leu577Pro (NM_001282661.3); c.1880T>C, p.Leu627Pro (NM_001282662.3); c.1685T>C, p.Leu562Pro (NM_001318139.2); short protein forms L527P, L577P, L562P, L627P.
Identifiers: ClinVar variation 4727604 (VCV004727604.1).
Genomic context (GRCh38, chr22:40,418,858, plus strand): 5'-AGCTGCTGCTTCTGCCGGAGCATGCGCGTCAGCGCCTCGATCTGCTTGTCTTTCTCCTGC[A>G]GCATCTGGTCCTTGTCGCGCCCCTCTAGCTCCGCCCGCCCCCCAGGGCTCAGGCAACAGG-3'
Protein context (NP_065882.2, residues 617-637): ELEGRDKDQM[Leu627Pro]QEKDKQIEAL

ClinVar aggregate classification (germline): Uncertain significance (1 of 4 stars; one submission).

Submission:

Labcorp Genetics (formerly Invitae), Labcorp
Classification: Uncertain significance. Last evaluated: 2025-09-30. Review status: criteria provided, single submitter. Criteria: Invitae Variant Classification Sherloc (09022015). Collection method: clinical testing. Allele origin: germline.
Comment: This sequence change replaces leucine, which is neutral and non-polar, with proline, which is neutral and non-polar, at codon 527 of the MKL1 protein (p.Leu527Pro). This variant is not present in population databases (gnomAD no frequency). This variant has not been reported in the literature in individuals affected with MKL1-related conditions. An algorithm developed to predict the effect of missense changes on protein structure and function (PolyPhen-2) suggests that this variant is likely to be disruptive. In summary, the available evidence is currently insufficient to determine the role of this variant in disease. Therefore, it has been classified as a Variant of Uncertain Significance.